The following is an entry in ClinVar:

ClinVar aggregate classification (germline): Conflicting classifications of pathogenicity. Review status: criteria provided, conflicting classifications (1 of 4 stars). 2 submissions from 2 submitters: Uncertain significance (1); Likely benign (1). Last evaluated 2025-03-07.

Conditions:
Inborn genetic diseases. Identifiers: MedGen C0950123, MeSH D030342.
Genitopatellar syndrome (GTPTS). Also called: ABSENT PATELLAE, SCROTAL HYPOPLASIA, RENAL ANOMALIES, FACIAL DYSMORPHISM, AND MENTAL RETARDATION; Genitopatellar syndrome (GPS). Identifiers: Orphanet 85201, MedGen C1853566, MONDO:0011640, OMIM 606170.

Allele frequency attached by ClinVar (database versions not stated): gnomAD exomes 0.00001; ExAC 0.00002; TOPMed 0.00004; gnomAD 0.00006; 1000 Genomes Project 0.00020; 1000 Genomes Project 30x 0.00031.
gnomAD v4.1: 17 of 1,613,874 alleles (0.0011%); highest among the groups gnomAD compares: African/African-American, 0.02%; no homozygotes.

Submissions (2):

Ambry Genetics
Classification: Likely benign for Inborn genetic diseases. Last evaluated: 2025-03-07. Review status: criteria provided, single submitter. Criteria: Ambry Variant Classification Scheme 2023. Collection method: clinical testing. Allele origin: germline.

Labcorp Genetics (formerly Invitae), Labcorp
Classification: Uncertain significance for Genitopatellar syndrome. Last evaluated: 2025-02-02. Review status: criteria provided, single submitter. Criteria: Invitae Variant Classification Sherloc (09022015). Collection method: clinical testing. Allele origin: germline.
Comment: This sequence change replaces alanine, which is neutral and non-polar, with threonine, which is neutral and polar, at codon 699 of the KAT6B protein (p.Ala699Thr). This variant is present in population databases (rs202037961, gnomAD 0.03%). This variant has not been reported in the literature in individuals affected with KAT6B-related conditions. ClinVar contains an entry for this variant (Variation ID: 2970988). Invitae Evidence Modeling of protein sequence and biophysical properties (such as structural, functional, and spatial information, amino acid conservation, physicochemical variation, residue mobility, and thermodynamic stability) indicates that this missense variant is not expected to disrupt KAT6B protein function with a negative predictive value of 80%. In summary, the available evidence is currently insufficient to determine the role of this variant in disease. Therefore, it has been classified as a Variant of Uncertain Significance.

NM_012330.4(KAT6B):c.2095G>A (p.Ala699Thr)

Gene: KAT6B (lysine acetyltransferase 6B; plus strand). Cytogenetic location: 10q22.2.
Variant type: single nucleotide variant.
Coding change: c.2095G>A on transcript NM_012330.4 (MANE Select); coding-DNA position 2095, G replaced by A.
Protein change: p.Ala699Thr; replaces alanine 699 with threonine.
Molecular consequence: missense variant. On other transcripts: intron variant (3).
Genome position (GRCh38, 1-based): chr10:74,977,417, G>A. VCF-style: chr10-74977417-G-A. GRCh37 (hg19) VCF-style: chr10-76737175-G-A.
Other names: c.1546G>A, p.Ala516Thr (NM_001256468.2, NM_001370138.1); c.1219G>A, p.Ala407Thr (NM_001256469.2, NM_001370132.1, NM_001370139.1 and 3 more transcripts); c.2095G>A, p.Ala699Thr (NM_001370136.1, NM_001370137.1); c.1030G>A, p.Ala344Thr (NM_001370143.1, NM_001370144.1); c.846+7642G>A (NM_001370133.1); c.193-1807G>A (NM_001370134.1); c.193-11602G>A (NM_001370135.1); c.2095G>A (NM_012330.2); short protein forms A407T, A516T, A344T, A699T.
Identifiers: ClinVar variation 2970988 (VCV002970988.3), dbSNP rs202037961, ClinGen allele CA5564519.